The following is an entry in ClinVar:

ClinVar aggregate classification (germline): Likely pathogenic (1 of 4 stars; one submission).

Conditions:
Peroxisome biogenesis disorder. Identifiers: Orphanet 79189, MedGen C1832200, MONDO:0019234. Disease mechanism: loss of function.

Submission:

Myriad Genetics, Inc.
Classification: Likely pathogenic for Peroxisome biogenesis disorder. Last evaluated: 2025-11-14. Review status: criteria provided, single submitter. Criteria: Myriad Autosomal Dominant, Autosomal Recessive and X-Linked Classification Criteria (2023). Collection method: clinical testing. Allele origin: unknown.
Comment: NM_000287.3(PEX6):c.1368-2A>G is a variant in a canonical splice site classified as likely pathogenic in the context of peroxisome biogenesis disorder type 4. c.1368-2A>G has not been observed in cases with relevant disease. Relevant functional assessments of this variant are not available in the literature. c.1368-2A>G has not been observed in referenced population frequency databases. In summary, NM_000287.3(PEX6):c.1368-2A>G is a variant in a canonical splice site in a gene where loss of function is a known mechanism of disease and is predicted to disrupt protein function. Please note: this variant was assessed in the context of healthy population screening.

NM_000287.4(PEX6):c.1368-2A>G

Gene: PEX6 (peroxisomal biogenesis factor 6; minus strand). Cytogenetic location: 6p21.1.
Variant type: single nucleotide variant.
Coding change: c.1368-2A>G on transcript NM_000287.4 (MANE Select); the canonical splice acceptor site of the intron before coding-DNA position 1368, A replaced by G.
Molecular consequence: splice acceptor variant.
Genome position (GRCh38, 1-based): chr6:42,968,987, T>C on the plus strand (A>G on the coding strand, the complement: PEX6 is on the minus strand). VCF-style: chr6-42968987-T-C. GRCh37 (hg19) VCF-style: chr6-42936725-T-C.
Other names: c.1104-2A>G (NM_001316313.2).
Identifiers: ClinVar variation 5003674 (VCV005003674.1).